The following is an entry in ClinVar:

NC_000008.11:g.(?_99661334)_(99661511_?)del

Gene: VPS13B (vacuolar protein sorting 13 homolog B; plus strand). Cytogenetic location: 8q22.2.
Variant type: Deletion.
Identifiers: ClinVar variation 651830 (VCV000651830.9).

ClinVar aggregate classification (germline): Pathogenic (1 of 4 stars; one submission).

Conditions:
Cohen syndrome (COH1). Also called: PEPPER SYNDROME; Cutis verticis gyrata, retinitis pigmentosa, and sensorineural deafness. Identifiers: Orphanet 193, MedGen C0265223, MONDO:0008999, OMIM 216550.

Submission:

Labcorp Genetics (formerly Invitae), Labcorp
Classification: Pathogenic for Cohen syndrome. Last evaluated: 2022-08-28. Review status: criteria provided, single submitter. Criteria: Invitae Variant Classification Sherloc (09022015). Collection method: clinical testing. Allele origin: germline.
Comment: A similar copy number variant has been observed in individual(s) with VPS13B-related disease (Invitae). In at least one individual the data is consistent with being in trans (on the opposite chromosome) from a pathogenic variant. It has also been observed to segregate with disease in related individuals. Experimental studies and prediction algorithms are not available or were not evaluated, and the functional significance of this variant is currently unknown. For these reasons, this variant has been classified as Pathogenic. This variant is a gross deletion of the genomic region encompassing exon(s) 35 of the VPS13B gene. This variant would be expected to be in-frame, preserving the integrity of the reading frame.